The following is an entry in ClinVar:

ClinVar aggregate classification (germline): Pathogenic/Likely pathogenic. Review status: criteria provided, multiple submitters, no conflicts (2 of 4 stars). 9 submissions from 8 submitters: Pathogenic (4); Likely pathogenic (5). Last evaluated 2026-05-19.

Conditions:
Neu-Laxova syndrome 1 (NLS1). Identifiers: Orphanet 2671, Orphanet 583607, MedGen C4551478, MONDO:0009736, OMIM 256520. Disease mechanism: loss of function.
PHGDH deficiency. Identifiers: Orphanet 79351, MedGen C1866174, MONDO:0011152, OMIM 601815.
Neurometabolic disorder due to serine deficiency. Identifiers: Orphanet 35705, MedGen C5680148, MONDO:0018162.

Allele frequency attached by ClinVar (database versions not stated): ExAC 0.00002; TOPMed below 0.00001; gnomAD exomes 0.00001.
gnomAD v4.1: 8 of 1,613,864 alleles (0.0005%); highest among the groups gnomAD compares: South Asian, 0.0077%; no homozygotes.

Submissions (9):

Myriad Genetics, Inc.
Classification: Pathogenic for Neurometabolic disorder due to serine deficiency. Last evaluated: 2026-05-19. Review status: criteria provided, single submitter. Criteria: Myriad Autosomal Dominant, Autosomal Recessive and X-Linked Classification Criteria (2023). Collection method: clinical testing. Allele origin: unknown.
Comment: NM_006623.3(PHGDH):c.357-1G>A is a variant in a canonical splice site classified as pathogenic in the context of serine deficiency disorder, PHGDH-related. c.357-1G>A has been observed in cases with relevant disease (PMID: 35587316). Relevant functional assessments of this variant are not available in the literature. c.357-1G>A has been observed in referenced population frequency databases. In summary, NM_006623.3(PHGDH):c.357-1G>A is a variant in a canonical splice site in a gene where loss of function is a known mechanism of disease, is predicted to disrupt protein function, and has been observed more frequently in cases with the relevant disease than in healthy populations. Please note: this variant was assessed in the context of healthy population screening.

Labcorp Genetics (formerly Invitae), Labcorp
Classification: Likely pathogenic for PHGDH deficiency. Last evaluated: 2025-12-01. Review status: criteria provided, single submitter. Criteria: Invitae Variant Classification Sherloc (09022015). Collection method: clinical testing. Allele origin: germline.
Comment: This sequence change affects an acceptor splice site in intron 3 of the PHGDH gene. It is expected to disrupt RNA splicing. Variants that disrupt the donor or acceptor splice site typically lead to a loss of protein function (PMID: 16199547), and loss-of-function variants in PHGDH are known to be pathogenic (PMID: 14645240, 24836451). This variant is present in population databases (rs766427173, gnomAD 0.006%). Disruption of this splice site has been observed in individual(s) with Neu-Laxova syndrome (PMID: 35587316). ClinVar contains an entry for this variant (Variation ID: 1098314). Algorithms developed to predict the effect of sequence changes on RNA splicing suggest that this variant may disrupt the consensus splice site. In summary, the currently available evidence indicates that the variant is pathogenic, but additional data are needed to prove that conclusively. Therefore, this variant has been classified as Likely Pathogenic.

Natera, Inc.
Classification: Pathogenic for Phosphoglycerate dehydrogenase deficiency. Last evaluated: 2025-07-03. Review status: criteria provided, single submitter. Criteria: Natera Variant Classification Schema (03/2026). Collection method: clinical testing. Allele origin: germline.
Comment: The c.357-1G>A variant in PHGDH is a canonical splice acceptor site variant predicted to affect pre-mRNA splicing, which may result in an abnormal transcript and altered protein product. This variant is expected to result in nonsense mediated decay, truncation, or a dysfunctional protein product. This variant is rare in the general population with a frequency below the threshold expected for the associated phenotype(s). This variant has been observed in one or more individuals affected with the associated recessive disease, as either homozygous or compound heterozygous with a second variant (PMID: 35587316). Given the available evidence, this variant is classified as Pathogenic.

Fulgent Genetics
Classification: Likely pathogenic for Neu-Laxova syndrome 1; PHGDH deficiency. Last evaluated: 2024-03-07. Review status: criteria provided, single submitter. Criteria: ACMG Guidelines, 2015. Collection method: clinical testing. Allele origin: germline.

Genome-Nilou Lab
Classification: Likely pathogenic for Neu-Laxova syndrome 1. Last evaluated: 2023-04-11. Review status: criteria provided, single submitter. Criteria: ACMG Guidelines, 2015. Collection method: clinical testing. Allele origin: germline. Affected: no.

Genome-Nilou Lab
Classification: Likely pathogenic for PHGDH deficiency. Last evaluated: 2023-04-11. Review status: criteria provided, single submitter. Criteria: ACMG Guidelines, 2015. Collection method: clinical testing. Allele origin: germline. Affected: no.

GeneDx
Classification: Likely pathogenic. Last evaluated: 2022-03-28. Review status: criteria provided, single submitter. Criteria: GeneDx Variant Classification Process June 2021. Collection method: clinical testing. Allele origin: germline. Affected: yes.
Comment: Canonical splice site variant predicted to result in a null allele in a gene for which loss-of-function is a known mechanism of disease; Not observed at a significant frequency in large population cohorts (gnomAD); Has not been previously published as pathogenic or benign to our knowledge

Foundation for Research in Genetics and Endocrinology, FRIGE's Institute of Human Genetics
Classification: Pathogenic for Neu-Laxova syndrome 1. Last evaluated: 2020-12-07. Review status: criteria provided, single submitter. Criteria: ACMG Guidelines, 2015. Collection method: clinical testing. Allele origin: germline. Inheritance: Autosomal recessive inheritance. Affected: yes. Observed: 1 variant allele, 1 heterozygote.
Comment: A heterozygous 3â€™splice site variation in intron 3 of the PHGDH gene that affects the invariant AG acceptor splice site upstream of exon 4 was detected. The observed variant c.3357-1G>A has not been reported in the 1000 genomes and has a minor allele frequency of 0.008% in the gnomAD databases. The in silico prediction of the variant is damaging by MutationTaster2. The reference codon is conserved across species. In summary, the variant meets our criteria to be classified as pathogenic.

Diagnostics Division, CENTRE FOR DNA FINGERPRINTING AND DIAGNOSTICS
Classification: Pathogenic for Neu-Laxova syndrome 1. Review status: criteria provided, single submitter. Criteria: ACMG Guidelines, 2015. Collection method: research. Allele origin: germline. Inheritance: Autosomal recessive inheritance. Affected: yes. Observed: 1 homozygote.

Literature cited by the submitters: PubMed 35587316 (cited by 3 submitters); PubMed 16199547 (cited by Labcorp Genetics (formerly Invitae), Labcorp); PubMed 14645240 (cited by Labcorp Genetics (formerly Invitae), Labcorp); PubMed 24836451 (cited by Labcorp Genetics (formerly Invitae), Labcorp).

NM_006623.4(PHGDH):c.357-1G>A

Gene: PHGDH (phosphoglycerate dehydrogenase; plus strand). Cytogenetic location: 1p12.
Variant type: single nucleotide variant.
Coding change: c.357-1G>A on transcript NM_006623.4 (MANE Select); the canonical splice acceptor site of the intron before coding-DNA position 357, G replaced by A.
Molecular consequence: splice acceptor variant.
Genome position (GRCh38, 1-based): chr1:119,726,850, G>A. VCF-style: chr1-119726850-G-A. GRCh37 (hg19) VCF-style: chr1-120269473-G-A.
Other names: c.357-1G>A (NM_006623.3).
Identifiers: ClinVar variation 1098314 (VCV001098314.13), dbSNP rs766427173, ClinGen allele CA1037059.